The following is an entry in ClinVar:

NM_000321.3(RB1):c.1966C>A (p.Arg656=)

Gene: RB1 (RB transcriptional corepressor 1; plus strand). Cytogenetic location: 13q14.2.
Variant type: single nucleotide variant.
Coding change: c.1966C>A on transcript NM_000321.3 (MANE Select); coding-DNA position 1966, C replaced by A.
Protein change: p.Arg656=; no amino-acid change (arginine 656 retained).
Molecular consequence: synonymous variant.
Genome position (GRCh38, 1-based): chr13:48,459,693, C>A. VCF-style: chr13-48459693-C-A. GRCh37 (hg19) VCF-style: chr13-49033829-C-A.
Other names: c.1966C>A, p.Arg656= (NM_001407165.1).
Identifiers: ClinVar variation 3699256 (VCV003699256.3).
Genomic context (GRCh38, chr13:48,459,693, plus strand): 5'-CTACTTGTAATTCAAAATGAACAGTAAAAATGACTAATTTTTCTTATTCCCACAGTGTAT[C>A]GGCTAGCCTATCTCCGGCTAAATACACTTTGTGAACGCCTTCTGTCTGAGCACCCAGAAT-3'
Protein context (NP_000312.2, residues 646-666): SLSLFYKKVY[Arg656=]LAYLRLNTLC

ClinVar aggregate classification (germline): Conflicting classifications of pathogenicity. Review status: criteria provided, conflicting classifications (1 of 4 stars). 2 submissions from 2 submitters: Uncertain significance (1); Likely benign (1). Last evaluated 2025-12-01.

Conditions:
Retinoblastoma (RB1). Also called: RETINOBLASTOMA, SOMATIC. Identifiers: Orphanet 790, MedGen C0035335, MeSH D012175, MONDO:0008380, OMIM 180200, HP:0009919. Disease mechanism: loss of function. Inheritance: Both sporadic and heritable forms are tested..
Hereditary cancer-predisposing syndrome. Also called: Tumor predisposition; Neoplastic Syndromes, Hereditary; Hereditary Cancer Syndrome; Hereditary neoplastic syndrome. Identifiers: Orphanet 140162, MedGen C0027672, MeSH D009386, MONDO:0015356.

gnomAD v4.1: 1 of 1,613,974 alleles (0.000062%); highest among the groups gnomAD compares: East Asian, 0.0022%; no homozygotes.

Submissions (2):

Ambry Genetics
Classification: Uncertain significance for Hereditary cancer-predisposing syndrome. Last evaluated: 2025-12-01. Review status: criteria provided, single submitter. Criteria: Ambry Variant Classification Scheme 2023. Collection method: clinical testing. Allele origin: germline.
Comment: The c.1966C>A variant (also known as p.R656R), located in coding exon 20 of the RB1 gene, results from a C to A substitution at nucleotide position 1966. This nucleotide substitution does not change the at codon 656. This nucleotide position is not well conserved in available vertebrate species. In silico splice site analysis for this alteration is inconclusive. Direct RNA evidence is insufficient at this time (Ambry internal data). Based on the available evidence, the clinical significance of this variant remains unclear.

Labcorp Genetics (formerly Invitae), Labcorp
Classification: Likely benign for Retinoblastoma. Last evaluated: 2024-12-02. Review status: criteria provided, single submitter. Criteria: Invitae Variant Classification Sherloc (09022015). Collection method: clinical testing. Allele origin: germline.